The following is an entry in ClinVar:

ClinVar aggregate classification (germline): Uncertain significance (1 of 4 stars; one submission).

Conditions:
Progressive myoclonic epilepsy type 3. Also called: KCTD7-Related Progressive Myoclonic Epilepsy; EPILEPSY, PROGRESSIVE MYOCLONIC, 3, WITHOUT INTRACELLULAR INCLUSIONS; EPILEPSY, PROGRESSIVE MYOCLONIC, 3, WITH OR WITHOUT INTRACELLULAR INCLUSIONS; CEROID LIPOFUSCINOSIS, NEURONAL, 14. Identifiers: Orphanet 263516, MedGen C2673257, MONDO:0012721, OMIM 611726.

Allele frequency attached by ClinVar (database versions not stated): TOPMed below 0.00001; ExAC 0.00001; gnomAD exomes 0.00001.
gnomAD v4.1: 11 of 1,614,216 alleles (0.00068%); highest among the groups gnomAD compares: Non-Finnish European, 0.00093%; no homozygotes.

Submission:

Labcorp Genetics (formerly Invitae), Labcorp
Classification: Uncertain significance for Progressive myoclonic epilepsy type 3. Last evaluated: 2022-07-09. Review status: criteria provided, single submitter. Criteria: Invitae Variant Classification Sherloc (09022015). Collection method: clinical testing. Allele origin: germline.
Comment: This sequence change replaces glutamine, which is neutral and polar, with arginine, which is basic and polar, at codon 140 of the KCTD7 protein (p.Gln140Arg). This variant is present in population databases (rs778155909, gnomAD 0.0009%). This variant has not been reported in the literature in individuals affected with KCTD7-related conditions. Algorithms developed to predict the effect of missense changes on protein structure and function (SIFT, PolyPhen-2, Align-GVGD) all suggest that this variant is likely to be tolerated. In summary, the available evidence is currently insufficient to determine the role of this variant in disease. Therefore, it has been classified as a Variant of Uncertain Significance.

NM_153033.5(KCTD7):c.419A>G (p.Gln140Arg)

Gene: KCTD7 (potassium channel tetramerization domain containing 7; plus strand). Cytogenetic location: 7q11.21.
Variant type: single nucleotide variant.
Coding change: c.419A>G on transcript NM_153033.5 (MANE Select); coding-DNA position 419, A replaced by G.
Protein change: p.Gln140Arg; replaces glutamine 140 with arginine.
Molecular consequence: missense variant.
Genome position (GRCh38, 1-based): chr7:66,638,357, A>G. VCF-style: chr7-66638357-A-G. GRCh37 (hg19) VCF-style: chr7-66103344-A-G.
Other names: c.419A>G, p.Gln140Arg (NM_001167961.2); short protein forms Q140R.
Identifiers: ClinVar variation 1901647 (VCV001901647.2), dbSNP rs778155909, ClinGen allele CA4278254.